The following is an entry in ClinVar:

ClinVar aggregate classification (germline): Pathogenic (1 of 4 stars; one submission).

Conditions:
Joubert syndrome. Also called: JOUBERT-BOLTSHAUSER SYNDROME; Familial aplasia of the vermis. Identifiers: Orphanet 475, MedGen C5979921, MONDO:0018772.
Meckel-Gruber syndrome. Also called: DYSENCEPHALIA SPLANCHNOCYSTICA; GRUBER SYNDROME; Dysencephalia splachnocystica. Identifiers: Orphanet 564, MedGen C0265215, MONDO:0018921.

Submission:

Labcorp Genetics (formerly Invitae), Labcorp
Classification: Pathogenic for Joubert syndrome; Meckel-Gruber syndrome. Last evaluated: 2023-01-21. Review status: criteria provided, single submitter. Criteria: Invitae Variant Classification Sherloc (09022015). Collection method: clinical testing. Allele origin: germline.
Comment: For these reasons, this variant has been classified as Pathogenic. This variant has not been reported in the literature in individuals affected with CC2D2A-related conditions. This variant is not present in population databases (gnomAD no frequency). This sequence change creates a premature translational stop signal (p.Leu119*) in the CC2D2A gene. It is expected to result in an absent or disrupted protein product. Loss-of-function variants in CC2D2A are known to be pathogenic (PMID: 19777577).

Literature cited by the submitters: PubMed 19777577.

NM_001378615.1(CC2D2A):c.356T>A (p.Leu119Ter)

Genes: CC2D2A (coiled-coil and C2 domain containing 2A; plus strand), FBXL5 (F-box and leucine rich repeat protein 5; minus strand). Cytogenetic location: 4p15.32.
Variant type: single nucleotide variant.
Coding change: c.356T>A on transcript NM_001378615.1 (MANE Select); coding-DNA position 356, T replaced by A.
Protein change: p.Leu119Ter; replaces leucine 119 with a stop codon.
Molecular consequence: nonsense.
Genome position (GRCh38, 1-based): chr4:15,502,841, T>A. VCF-style: chr4-15502841-T-A. GRCh37 (hg19) VCF-style: chr4-15504464-T-A.
Other names: c.356T>A, p.Leu119Ter (NM_001080522.2); c.209T>A, p.Leu70Ter (NM_001378617.1); short protein forms L119*, L70*.
Identifiers: ClinVar variation 2943484 (VCV002943484.3), dbSNP rs2474890243, ClinGen allele CA356408281.